The following is an entry in ClinVar:

ClinVar aggregate classification (germline): Pathogenic (1 of 4 stars; one submission).

Conditions:
MHC class II deficiency. Also called: Bare lymphocyte syndrome 2; BLS, TYPE II. Identifiers: Orphanet 572, MedGen C5447452, MONDO:0008855.

Allele frequency attached by ClinVar (database versions not stated): gnomAD exomes below 0.00001.
gnomAD v4.1: 2 of 1,614,172 alleles (0.00012%); highest among the groups gnomAD compares: Non-Finnish European, 0.00017%; no homozygotes.

Submission:

Labcorp Genetics (formerly Invitae), Labcorp
Classification: Pathogenic for MHC class II deficiency. Last evaluated: 2021-01-11. Review status: criteria provided, single submitter. Criteria: Invitae Variant Classification Sherloc (09022015). Collection method: clinical testing. Allele origin: germline.
Comment: This sequence change creates a premature translational stop signal (p.Glu178*) in the RFXANK gene. It is expected to result in an absent or disrupted protein product. Loss-of-function variants in RFXANK are known to be pathogenic (PMID: 10803838, 16166641, 21908431). This variant is not present in population databases (ExAC no frequency). This variant has not been reported in the literature in individuals with RFXANK-related conditions. For these reasons, this variant has been classified as Pathogenic.

Literature cited by the submitters: PubMed 10803838; PubMed 16166641; PubMed 21908431.

NM_003721.4(RFXANK):c.532G>T (p.Glu178Ter)

Gene: RFXANK (regulatory factor X associated ankyrin containing protein; plus strand). Cytogenetic location: 19p13.11.
Variant type: single nucleotide variant.
Coding change: c.532G>T on transcript NM_003721.4 (MANE Select); coding-DNA position 532, G replaced by T.
Protein change: p.Glu178Ter; replaces glutamic acid 178 with a stop codon.
Molecular consequence: nonsense.
Genome position (GRCh38, 1-based): chr19:19,198,200, G>T. VCF-style: chr19-19198200-G-T. GRCh37 (hg19) VCF-style: chr19-19309009-G-T.
Other names: c.466G>T, p.Glu156Ter (NM_001278727.2, NM_001370234.1); c.463G>T, p.Glu155Ter (NM_001278728.2, NM_134440.3); c.532G>T, p.Glu178Ter (NM_001370233.1, NM_001370238.1); c.529G>T, p.Glu177Ter (NM_001370235.1, NM_001370236.1, NM_001370237.1); short protein forms E156*, E177*, E178*, E155*.
Identifiers: ClinVar variation 1366008 (VCV001366008.1), dbSNP rs2146493181, ClinGen allele CA404896261.